The following is an entry in ClinVar:

ClinVar aggregate classification (germline): Conflicting classifications of pathogenicity. Review status: criteria provided, conflicting classifications (1 of 4 stars). 3 submissions from 3 submitters: Uncertain significance (1); Likely benign (1). 1 of the submissions does not count toward it. Last evaluated 2026-01-28.

Conditions:
DOCK8-related disorder. Also called: DOCK8-related condition.
Inborn genetic diseases. Identifiers: MedGen C0950123, MeSH D030342.
Combined immunodeficiency due to DOCK8 deficiency (HIES2). Also called: HIES autosomal recessive; HYPER-IgE RECURRENT INFECTION SYNDROME 2, AUTOSOMAL RECESSIVE; HYPER-IgE SYNDROME 2, AUTOSOMAL RECESSIVE, WITH RECURRENT INFECTIONS; DOCK8 Deficiency; Hyper-IgE recurrent infection syndrome, autosomal recessive. Identifiers: Orphanet 217390, MedGen C4722305, MONDO:0009478, OMIM 243700.

Allele frequency attached by ClinVar (database versions not stated): gnomAD 0.00007; ExAC 0.00011; TOPMed 0.00012; 1000 Genomes Project 30x 0.00016; gnomAD exomes 0.00018; 1000 Genomes Project 0.00020.
gnomAD v4.1: 166 of 1,606,232 alleles (0.01%); highest among the groups gnomAD compares: East Asian, 0.24%; no homozygotes.

Submissions (3):

Labcorp Genetics (formerly Invitae), Labcorp
Classification: Likely benign for Combined immunodeficiency due to DOCK8 deficiency. Last evaluated: 2026-01-28. Review status: criteria provided, single submitter. Criteria: Invitae Variant Classification Sherloc (09022015). Collection method: clinical testing. Allele origin: germline.

Ambry Genetics
Classification: Uncertain significance for Inborn genetic diseases. Last evaluated: 2022-01-26. Review status: criteria provided, single submitter. Criteria: Ambry Variant Classification Scheme 2023. Collection method: clinical testing. Allele origin: germline.

PreventionGenetics, part of Exact Sciences
Classification: Likely benign for DOCK8-related condition. Last evaluated: 2024-06-24. Review status: no assertion criteria provided. Collection method: clinical testing. Allele origin: germline. Not counted in ClinVar's aggregate classification.
Comment: This variant is classified as likely benign based on ACMG/AMP sequence variant interpretation guidelines (Richards et al. 2015 PMID: 25741868, with internal and published modifications).

NM_203447.4(DOCK8):c.2383G>C (p.Val795Leu)

Gene: DOCK8 (dedicator of cytokinesis 8; plus strand). Cytogenetic location: 9p24.3.
Variant type: single nucleotide variant.
Coding change: c.2383G>C on transcript NM_203447.4 (MANE Select); coding-DNA position 2383, G replaced by C.
Protein change: p.Val795Leu; replaces valine 795 with leucine.
Molecular consequence: missense variant.
Genome position (GRCh38, 1-based): chr9:377,154, G>C. VCF-style: chr9-377154-G-C. GRCh37 (hg19) VCF-style: chr9-377154-G-C.
Other names: c.2179G>C, p.Val727Leu (NM_001190458.2, NM_001193536.2); short protein forms V795L, V727L.
Identifiers: ClinVar variation 577327 (VCV000577327.15), dbSNP rs369449324, ClinGen allele CA4958178.